The following is an entry in ClinVar:

NM_005751.5(AKAP9):c.61C>T (p.Arg21Ter)

Gene: AKAP9 (A-kinase anchoring protein 9; plus strand). Cytogenetic location: 7q21.2.
Variant type: single nucleotide variant.
Coding change: c.61C>T on transcript NM_005751.5 (MANE Select); coding-DNA position 61, C replaced by T.
Protein change: p.Arg21Ter; replaces arginine 21 with a stop codon.
Molecular consequence: nonsense.
Genome position (GRCh38, 1-based): chr7:91,973,723, C>T. VCF-style: chr7-91973723-C-T. GRCh37 (hg19) VCF-style: chr7-91603037-C-T.
Other names: c.61C>T, p.Arg21Ter (NM_147185.3); short protein forms R21*.
Identifiers: ClinVar variation 411962 (VCV000411962.11), dbSNP rs1060503553, ClinGen allele CA16612166.

ClinVar aggregate classification (germline): Uncertain significance. Review status: criteria provided, multiple submitters, no conflicts (2 of 4 stars). 4 submissions from 4 submitters: Uncertain significance (4). Last evaluated 2025-05-02.

Conditions:
Cardiovascular phenotype. Identifiers: MedGen CN230736.
Long QT syndrome (LQTS). Identifiers: MedGen C0023976, MeSH D008133, MONDO:0002442. Disease mechanism: loss of function. Inheritance: Various modes of inheritance.
Long QT syndrome 11 (LQT11). Identifiers: Orphanet 101016, Orphanet 768, MedGen C2678483, MONDO:0012738, OMIM 611820.

Allele frequency attached by ClinVar (database versions not stated): gnomAD 0.00001; gnomAD exomes 0.00001; TOPMed 0.00002.

Submissions (4):

Ambry Genetics
Classification: Uncertain significance for Cardiovascular phenotype. Last evaluated: 2025-05-02. Review status: criteria provided, single submitter. Criteria: Ambry Variant Classification Scheme 2023. Collection method: clinical testing. Allele origin: germline.
Comment: The p.R21* variant (also known as c.61C>T), located in coding exon 2 of the AKAP9 gene, results from a C to T substitution at nucleotide position 61. This changes the amino acid from an arginine to a stop codon within coding exon 2. This alteration is expected to result in loss of function by premature protein truncation or nonsense-mediated mRNA decay. However, the evidence for this gene-disease relationship is limited; therefore, the clinical significance of this alteration is unclear.

Labcorp Genetics (formerly Invitae), Labcorp
Classification: Uncertain significance for Long QT syndrome. Last evaluated: 2024-01-31. Review status: criteria provided, single submitter. Criteria: Invitae Variant Classification Sherloc (09022015). Collection method: clinical testing. Allele origin: germline.
Comment: This sequence change creates a premature translational stop signal (p.Arg21*) in the AKAP9 gene. It is expected to result in an absent or disrupted protein product. However, the current clinical and genetic evidence is not sufficient to establish whether loss-of-function variants in AKAP9 cause disease. This variant is not present in population databases (gnomAD no frequency). This variant has not been reported in the literature in individuals affected with AKAP9-related conditions. ClinVar contains an entry for this variant (Variation ID: 411962). In summary, the available evidence is currently insufficient to determine the role of this variant in disease. Therefore, it has been classified as a Variant of Uncertain Significance.

AiLife Diagnostics
Classification: Uncertain significance. Last evaluated: 2022-02-10. Review status: criteria provided, single submitter. Criteria: ACMG Guidelines, 2015. Collection method: clinical testing. Allele origin: germline. Affected: yes. Observed: 2 variant alleles.

Fulgent Genetics
Classification: Uncertain significance for Long QT syndrome 11. Last evaluated: 2021-09-01. Review status: criteria provided, single submitter. Criteria: ACMG Guidelines, 2015. Collection method: clinical testing. Allele origin: unknown.

Literature cited by the submitters: PubMed 33084842 (cited by AiLife Diagnostics).